The following is an entry in ClinVar:

NM_005068.3(SIM1):c.1311A>G (p.Arg437=)

Genes: SIM1 (SIM bHLH transcription factor 1; minus strand), SIM1-AS1 (SIM1 antisense RNA 1; plus strand). Cytogenetic location: 6q16.3.
Variant type: single nucleotide variant.
Coding change: c.1311A>G on transcript NM_005068.3 (MANE Select); coding-DNA position 1311, A replaced by G.
Protein change: p.Arg437=; no amino-acid change (arginine 437 retained).
Molecular consequence: synonymous variant. On other transcripts: non-coding transcript variant (1).
Genome position (GRCh38, 1-based): chr6:100,393,746, T>C on the plus strand (A>G on the coding strand, the complement: SIM1 is on the minus strand). VCF-style: chr6-100393746-T-C. GRCh37 (hg19) VCF-style: chr6-100841622-T-C.
Other names: c.1311A>G, p.Arg437= (NM_001374769.1).
Identifiers: ClinVar variation 3357107 (VCV003357107.1).
Genomic context (GRCh38, chr6:100,393,746, plus strand): 5'-CACCAGCCTCGAGTGGTCAAGCGCAAAGCCATAGCAGAGAGAGCTGCGGTCCGAAAACTG[T>C]CTGTAGGCGCACGATGCGTCGTGCTGGGAGCCAGGCCTATCGGCGGGGTCCAGAAGCTGC-3'
Protein context (NP_005059.2, residues 427-447): GSQHDASCAY[Arg437=]QFSDRSSLCY

ClinVar aggregate classification (germline): Likely benign (0 of 4 stars; one submission).

Conditions:
SIM1-related disorder. Also called: SIM1-related condition; SIM1-related disorders.

Submission:

PreventionGenetics, part of Exact Sciences
Classification: Likely benign for SIM1-related condition. Last evaluated: 2021-05-26. Review status: no assertion criteria provided. Collection method: clinical testing. Allele origin: germline.
Comment: This variant is classified as likely benign based on ACMG/AMP sequence variant interpretation guidelines (Richards et al. 2015 PMID: 25741868, with internal and published modifications).